The following is an entry in ClinVar:

ClinVar aggregate classification (germline): Uncertain significance (1 of 4 stars; one submission).

Allele frequency attached by ClinVar (database versions not stated): gnomAD exomes below 0.00001.
gnomAD v4.1: 1 of 1,614,180 alleles (0.000062%); highest among the groups gnomAD compares: Middle Eastern, 0.016%; no homozygotes.

Submission:

Ambry Genetics
Classification: Uncertain significance. Last evaluated: 2022-10-20. Review status: criteria provided, single submitter. Criteria: Ambry Variant Classification Scheme 2023. Collection method: clinical testing. Allele origin: germline.
Comment: The p.V1584A variant (also known as c.4751T>C), located in coding exon 4 of the ALPK2 gene, results from a T to C substitution at nucleotide position 4751. The valine at codon 1584 is replaced by alanine, an amino acid with similar properties. This amino acid position is conserved. In addition, this alteration is predicted to be tolerated by in silico analysis. Since supporting evidence is limited at this time, the clinical significance of this alteration remains unclear.

NM_052947.4(ALPK2):c.4751T>C (p.Val1584Ala)

Genes: ALPK2 (alpha kinase 2; minus strand), LOC126862764 (BRD4-independent group 4 enhancer GRCh37_chr18:56202574-56203773; plus strand). Cytogenetic location: 18q21.31.
Variant type: single nucleotide variant.
Coding change: c.4751T>C on transcript NM_052947.4 (MANE Select); coding-DNA position 4751, T replaced by C.
Protein change: p.Val1584Ala; replaces valine 1584 with alanine.
Molecular consequence: missense variant.
Genome position (GRCh38, 1-based): chr18:58,535,436, A>G on the plus strand (T>C on the coding strand, the complement: ALPK2 is on the minus strand). VCF-style: chr18-58535436-A-G. GRCh37 (hg19) VCF-style: chr18-56202668-A-G.
Other names: short protein forms V1584A.
Identifiers: ClinVar variation 1742849 (VCV001742849.2), dbSNP rs1382233986, ClinGen allele CA402560005.